The following is an entry in ClinVar:

NM_024757.5(EHMT1):c.3097C>T (p.Pro1033Ser)

Gene: EHMT1 (euchromatic histone lysine methyltransferase 1; plus strand). Cytogenetic location: 9q34.3.
Variant type: single nucleotide variant.
Coding change: c.3097C>T on transcript NM_024757.5 (MANE Select); coding-DNA position 3097, C replaced by T.
Protein change: p.Pro1033Ser; replaces proline 1033 with serine.
Molecular consequence: missense variant.
Genome position (GRCh38, 1-based): chr9:137,813,447, C>T. VCF-style: chr9-137813447-C-T. GRCh37 (hg19) VCF-style: chr9-140707899-C-T.
Other names: c.3076C>T, p.Pro1026Ser (NM_001354263.2); short protein forms P1026S, P1033S.
Identifiers: ClinVar variation 3899061 (VCV003899061.1).

ClinVar aggregate classification (germline): Uncertain significance (1 of 4 stars; one submission).

Submission:

GeneDx
Classification: Uncertain significance. Last evaluated: 2024-11-08. Review status: criteria provided, single submitter. Criteria: GeneDx Variant Classification Process June 2021. Collection method: clinical testing. Allele origin: germline. Affected: yes.
Comment: Not observed at significant frequency in large population cohorts (gnomAD); In silico analysis supports that this missense variant has a deleterious effect on protein structure/function; Has not been previously published as pathogenic or benign to our knowledge